The following is an entry in ClinVar:

ClinVar aggregate classification (germline): Uncertain significance (1 of 4 stars; one submission).

Submission:

Dasa
Classification: Uncertain significance. Last evaluated: 2026-07-07. Review status: criteria provided, single submitter. Criteria: DASA Assertion Criteria. Collection method: clinical testing. Allele origin: germline.
Comment: NM_005257.6(GATA6):c.37C>A (p.Arg13Ser) is a missense variant that results in the substitution of arginine with serine. This variant is rare in population databases. The currently available literature and clinical evidence are not sufficient to establish a definitive association between this variant and the reported condition. Therefore, this variant is classified as a variant of uncertain significance.

NM_005257.6(GATA6):c.37C>A (p.Arg13Ser)

Gene: GATA6 (GATA binding protein 6; plus strand). Cytogenetic location: 18q11.2.
Variant type: single nucleotide variant.
Coding change: c.37C>A on transcript NM_005257.6 (MANE Select); coding-DNA position 37, C replaced by A.
Protein change: p.Arg13Ser; replaces arginine 13 with serine.
Molecular consequence: missense variant.
Genome position (GRCh38, 1-based): chr18:22,171,181, C>A. VCF-style: chr18-22171181-C-A. GRCh37 (hg19) VCF-style: chr18-19751142-C-A.
Other names: short protein forms R13S.
Identifiers: ClinVar variation 5020226 (VCV005020226.1).
Genomic context (GRCh38, chr18:22,171,181, plus strand): 5'-GCTTGGAGCGGCGCCGGACCGTGGATGGCCTTGACTGACGGCGGCTGGTGCTTGCCGAAG[C>A]GCTTCGGGGCCGCGGGTGCGGACGCCAGCGACTCCAGAGCCTTTCCAGCGCGGGAGCCCT-3'
Protein context (NP_005248.2, residues 3-23): LTDGGWCLPK[Arg13Ser]FGAAGADASD